The following is an entry in ClinVar:

ClinVar aggregate classification (germline): Uncertain significance (1 of 4 stars; one submission).

Conditions:
SHH-related disorder. Also called: SHH-related disorders; SHH-related condition.

Submission:

PreventionGenetics, part of Exact Sciences
Classification: Uncertain significance for SHH-related condition. Last evaluated: 2026-03-12. Review status: criteria provided, single submitter. Criteria: ACMG Guidelines, 2015. Collection method: clinical testing. Allele origin: germline.
Comment: The SHH c.499G>A variant is predicted to result in the amino acid substitution p.Glu167Lys. To our knowledge, this variant has not been reported in the literature or in a large population database (gnomAD), indicating this variant is rare. At this time, the clinical significance of this variant is uncertain due to the absence of conclusive functional and genetic evidence.

NM_000193.4(SHH):c.499G>A (p.Glu167Lys)

Gene: SHH (sonic hedgehog signaling molecule; minus strand). Cytogenetic location: 7q36.3.
Variant type: single nucleotide variant.
Coding change: c.499G>A on transcript NM_000193.4 (MANE Select); coding-DNA position 499, G replaced by A.
Protein change: p.Glu167Lys; replaces glutamic acid 167 with lysine.
Molecular consequence: missense variant. On other transcripts: non-coding transcript variant (2).
Genome position (GRCh38, 1-based): chr7:155,806,359, C>T on the plus strand (G>A on the coding strand, the complement: SHH is on the minus strand). VCF-style: chr7-155806359-C-T. GRCh37 (hg19) VCF-style: chr7-155599053-C-T.
Other names: c.238G>A, p.Glu80Lys (NM_001310462.2); short protein forms E167K, E80K.
Identifiers: ClinVar variation 4982366 (VCV004982366.1).
Genomic context (GRCh38, chr7:155,806,359, plus strand): 5'-CTTTCACCGAGCAGTGGATATGTGCCTTGGACTCGTAGTACACCCAGTCGAAGCCGGCCT[C>T]CACCGCCAGGCGGGCCAGCATGCCGTACTTGCTGCGGTCGCGGTCAGACGTGGTGATGTC-3'
Protein context (NP_000184.1, residues 157-177): KYGMLARLAV[Glu167Lys]AGFDWVYYES